The following is an entry in ClinVar:

NM_005476.7(GNE):c.1709T>C (p.Leu570Pro)

Gene: GNE (glucosamine (UDP-N-acetyl)-2-epimerase/N-acetylmannosamine kinase; minus strand). Cytogenetic location: 9p13.3.
Variant type: single nucleotide variant.
Coding change: c.1709T>C on transcript NM_005476.7 (MANE Select); coding-DNA position 1709, T replaced by C.
Protein change: p.Leu570Pro; replaces leucine 570 with proline.
Molecular consequence: missense variant.
Genome position (GRCh38, 1-based): chr9:36,219,945, A>G on the plus strand (T>C on the coding strand, the complement: GNE is on the minus strand). VCF-style: chr9-36219945-A-G. GRCh37 (hg19) VCF-style: chr9-36219942-A-G.
Other names: c.1802T>C, p.Leu601Pro (NM_001128227.3); c.1487T>C, p.Leu496Pro (NM_001190383.3); c.1379T>C, p.Leu460Pro (NM_001190384.3); c.1532T>C, p.Leu511Pro (NM_001190388.2, NM_001374798.1); c.1556T>C, p.Leu519Pro (NM_001374797.1); short protein forms L511P, L519P, L570P, L601P, L496P, L460P.
Identifiers: ClinVar variation 1441044 (VCV001441044.8), dbSNP rs775369694, ClinGen allele CA5056434.

ClinVar aggregate classification (germline): Uncertain significance (1 of 4 stars; one submission).

Conditions:
GNE myopathy (NM). Also called: INCLUSION BODY MYOPATHY 2, AUTOSOMAL RECESSIVE; MYOPATHY, DISTAL, WITH OR WITHOUT RIMMED VACUOLES; INCLUSION BODY MYOPATHY, HEREDITARY, AUTOSOMAL RECESSIVE; NONAKA DISTAL MYOPATHY; IBM 2; Inclusion body myopathy autosomal recessive. Identifiers: Orphanet 602, MedGen C1853926, MONDO:0011603, OMIM 605820.
Sialuria. Also called: Sialic Acid Storage Disease; SIALURIA, FRENCH TYPE. Identifiers: Orphanet 3166, MedGen C0342853, MONDO:0010028, OMIM 269921.

Allele frequency attached by ClinVar (database versions not stated): gnomAD exomes below 0.00001; TOPMed below 0.00001; ExAC 0.00001; gnomAD 0.00001.
gnomAD v4.1: 2 of 1,614,044 alleles (0.00012%); highest among the groups gnomAD compares: Non-Finnish European, 0.00017%; no homozygotes.

Submission:

Labcorp Genetics (formerly Invitae), Labcorp
Classification: Uncertain significance for Sialuria; GNE myopathy. Last evaluated: 2022-08-10. Review status: criteria provided, single submitter. Criteria: Invitae Variant Classification Sherloc (09022015). Collection method: clinical testing. Allele origin: germline.
Comment: This variant has not been reported in the literature in individuals affected with GNE-related conditions. In summary, the available evidence is currently insufficient to determine the role of this variant in disease. Therefore, it has been classified as a Variant of Uncertain Significance. Algorithms developed to predict the effect of missense changes on protein structure and function (SIFT, PolyPhen-2, Align-GVGD) all suggest that this variant is likely to be disruptive. ClinVar contains an entry for this variant (Variation ID: 1441044). This variant is not present in population databases (gnomAD no frequency). This sequence change replaces leucine, which is neutral and non-polar, with proline, which is neutral and non-polar, at codon 601 of the GNE protein (p.Leu601Pro).